The following is an entry in ClinVar:

ClinVar aggregate classification (germline): Benign/Likely benign. Review status: criteria provided, multiple submitters, no conflicts (2 of 4 stars). 3 submissions from 3 submitters: Benign (1); Likely benign (2). Last evaluated 2025-04-09.

Conditions:
Hereditary cancer-predisposing syndrome. Also called: Hereditary neoplastic syndrome; Neoplastic Syndromes, Hereditary; Tumor predisposition; Hereditary Cancer Syndrome. Identifiers: Orphanet 140162, MedGen C0027672, MeSH D009386, MONDO:0015356.
Oligodontia-cancer predisposition syndrome. Also called: TOOTH AGENESIS-COLORECTAL CANCER SYNDROME. Identifiers: Orphanet 300576, MedGen C1837750, MONDO:0012075, OMIM 608615. Disease mechanism: loss of function.

Submissions (3):

Labcorp Genetics (formerly Invitae), Labcorp
Classification: Likely benign for Oligodontia-cancer predisposition syndrome. Last evaluated: 2025-04-09. Review status: criteria provided, single submitter. Criteria: Invitae Variant Classification Sherloc (09022015). Collection method: clinical testing. Allele origin: germline.

Myriad Genetics, Inc.
Classification: Benign for Oligodontia-cancer predisposition syndrome. Last evaluated: 2024-06-28. Review status: criteria provided, single submitter. Criteria: Myriad Autosomal Dominant, Autosomal Recessive and X-Linked Classification Criteria (2023). Collection method: clinical testing. Allele origin: unknown.
Comment: This variant is considered benign. This variant is a silent/synonymous amino acid change and it is not expected to impact splicing.

Ambry Genetics
Classification: Likely benign for Hereditary cancer-predisposing syndrome. Last evaluated: 2020-02-26. Review status: criteria provided, single submitter. Criteria: Ambry Variant Classification Scheme 2023. Collection method: clinical testing. Allele origin: germline.

NM_004655.4(AXIN2):c.985_986delinsTC (p.Ser329=)

Gene: AXIN2 (axin 2; minus strand). Cytogenetic location: 17q24.1.
Variant type: Indel.
Coding change: c.985_986delinsTC on transcript NM_004655.4 (MANE Select); coding-DNA positions 985 to 986, AG replaced by TC.
Protein change: p.Ser329=; no amino-acid change (serine 329 retained).
Molecular consequence: synonymous variant.
Genome position (GRCh38, 1-based): chr17:65,541,528-65,541,529, CT replaced by GA on the plus strand (AG replaced by TC on the coding strand, the reverse complement: AXIN2 is on the minus strand). VCF-style: chr17-65541528-CT-GA. GRCh37 (hg19) VCF-style: chr17-63537646-CT-GA.
Other names: c.985_986delinsTC, p.Ser329= (NM_001363813.1).
Identifiers: ClinVar variation 1669769 (VCV001669769.11), dbSNP rs2144500595, ClinGen allele CA2573154716.
Genomic context (GRCh38, chr17:65,541,528, plus strand): 5'-AGAGACACTTGGCCATTGGCCTTCACACTGCGATGCATTTCTCTCTGGAGCTGTTTCTTA[CT>GA]GCCCACACGATAAGGAGGAATTCCATCTCTAAGGGAAAGGAAAAGACAGAATCCACAGGC-3'
Protein context (NP_004646.3, residues 319-339): VDGIPPYRVG[Ser329=]KKQLQREMHR